The following is an entry in ClinVar:

NM_018109.4(MTPAP):c.338A>G (p.Tyr113Cys)

Gene: MTPAP (mitochondrial poly(A) polymerase; minus strand). Cytogenetic location: 10p11.23.
Variant type: single nucleotide variant.
Coding change: c.338A>G on transcript NM_018109.4 (MANE Select); coding-DNA position 338, A replaced by G.
Protein change: p.Tyr113Cys; replaces tyrosine 113 with cysteine.
Molecular consequence: missense variant.
Genome position (GRCh38, 1-based): chr10:30,340,443, T>C on the plus strand (A>G on the coding strand, the complement: MTPAP is on the minus strand). VCF-style: chr10-30340443-T-C. GRCh37 (hg19) VCF-style: chr10-30629372-T-C.
Other names: short protein forms Y113C.
Identifiers: ClinVar variation 2069593 (VCV002069593.4), dbSNP rs1834788946, ClinGen allele CA376428231.

ClinVar aggregate classification (germline): Uncertain significance (1 of 4 stars; one submission).

Allele frequency attached by ClinVar (database versions not stated): gnomAD exomes below 0.00001.
gnomAD v4.1: 2 of 1,613,114 alleles (0.00012%); highest among the groups gnomAD compares: Non-Finnish European, 0.00017%; no homozygotes.

Submission:

Labcorp Genetics (formerly Invitae), Labcorp
Classification: Uncertain significance. Last evaluated: 2025-03-17. Review status: criteria provided, single submitter. Criteria: Invitae Variant Classification Sherloc (09022015). Collection method: clinical testing. Allele origin: germline.
Comment: This sequence change replaces tyrosine, which is neutral and polar, with cysteine, which is neutral and slightly polar, at codon 113 of the MTPAP protein (p.Tyr113Cys). This variant is not present in population databases (gnomAD no frequency). This variant has not been reported in the literature in individuals affected with MTPAP-related conditions. ClinVar contains an entry for this variant (Variation ID: 2069593). An algorithm developed to predict the effect of missense changes on protein structure and function (PolyPhen-2) suggests that this variant is likely to be disruptive. In summary, the available evidence is currently insufficient to determine the role of this variant in disease. Therefore, it has been classified as a Variant of Uncertain Significance.